The following is an entry in ClinVar:

NM_003803.4(MYOM1):c.3719A>G (p.Lys1240Arg)

Gene: MYOM1 (myomesin 1; minus strand). Cytogenetic location: 18p11.31.
Variant type: single nucleotide variant.
Coding change: c.3719A>G on transcript NM_003803.4 (MANE Select); coding-DNA position 3719, A replaced by G.
Protein change: p.Lys1240Arg; replaces lysine 1240 with arginine.
Molecular consequence: missense variant.
Genome position (GRCh38, 1-based): chr18:3,100,167, T>C on the plus strand (A>G on the coding strand, the complement: MYOM1 is on the minus strand). VCF-style: chr18-3100167-T-C. GRCh37 (hg19) VCF-style: chr18-3100165-T-C.
Other names: c.3431A>G, p.Lys1144Arg (NM_019856.2); short protein forms K1240R, K1144R.
Identifiers: ClinVar variation 3670267 (VCV003670267.2).

ClinVar aggregate classification (germline): Uncertain significance (1 of 4 stars; one submission).

Conditions:
Hypertrophic cardiomyopathy. Also called: HYPERTROPHIC MYOCARDIOPATHY. Identifiers: Orphanet 217569, MedGen C0007194, MeSH D002312, MONDO:0005045, HP:0001639.

gnomAD v4.1: 7 of 1,613,782 alleles (0.00043%); highest among the groups gnomAD compares: Non-Finnish European, 0.00059%; no homozygotes.

Submission:

Labcorp Genetics (formerly Invitae), Labcorp
Classification: Uncertain significance for Hypertrophic cardiomyopathy. Last evaluated: 2024-08-31. Review status: criteria provided, single submitter. Criteria: Invitae Variant Classification Sherloc (09022015). Collection method: clinical testing. Allele origin: germline.
Comment: This sequence change replaces lysine, which is basic and polar, with arginine, which is basic and polar, at codon 1240 of the MYOM1 protein (p.Lys1240Arg). This variant is not present in population databases (gnomAD no frequency). This variant has not been reported in the literature in individuals affected with MYOM1-related conditions. Invitae Evidence Modeling of protein sequence and biophysical properties (such as structural, functional, and spatial information, amino acid conservation, physicochemical variation, residue mobility, and thermodynamic stability) has been performed for this missense variant. However, the output from this modeling did not meet the statistical confidence thresholds required to predict the impact of this variant on MYOM1 protein function. In summary, the available evidence is currently insufficient to determine the role of this variant in disease. Therefore, it has been classified as a Variant of Uncertain Significance.